The following is an entry in ClinVar:

ClinVar aggregate classification (germline): Uncertain significance. Review status: criteria provided, multiple submitters, no conflicts (2 of 4 stars). 2 submissions from 2 submitters: Uncertain significance (2). Last evaluated 2026-07-07.

Conditions:
Hereditary cancer-predisposing syndrome. Also called: Hereditary neoplastic syndrome; Neoplastic Syndromes, Hereditary; Tumor predisposition; Hereditary Cancer Syndrome. Identifiers: Orphanet 140162, MedGen C0027672, MeSH D009386, MONDO:0015356.
Oligodontia-cancer predisposition syndrome. Also called: TOOTH AGENESIS-COLORECTAL CANCER SYNDROME. Identifiers: Orphanet 300576, MedGen C1837750, MONDO:0012075, OMIM 608615. Disease mechanism: loss of function.

Submissions (2):

Ambry Genetics
Classification: Uncertain significance for Hereditary cancer-predisposing syndrome. Last evaluated: 2026-07-07. Review status: criteria provided, single submitter. Criteria: Ambry Variant Classification Scheme 2023. Collection method: clinical testing. Allele origin: germline.
Comment: The p.G91C variant (also known as c.271G>T), located in coding exon 1 of the AXIN2 gene, results from a G to T substitution at nucleotide position 271. The glycine at codon 91 is replaced by cysteine, an amino acid with highly dissimilar properties. This amino acid position is conserved. In addition, the in silico prediction for this alteration is inconclusive. Based on the available evidence, the clinical significance of this variant remains unclear.

Labcorp Genetics (formerly Invitae), Labcorp
Classification: Uncertain significance for Oligodontia-cancer predisposition syndrome. Last evaluated: 2022-10-05. Review status: criteria provided, single submitter. Criteria: Invitae Variant Classification Sherloc (09022015). Collection method: clinical testing. Allele origin: germline.
Comment: In summary, the available evidence is currently insufficient to determine the role of this variant in disease. Therefore, it has been classified as a Variant of Uncertain Significance. Advanced modeling of protein sequence and biophysical properties (such as structural, functional, and spatial information, amino acid conservation, physicochemical variation, residue mobility, and thermodynamic stability) performed at Invitae indicates that this missense variant is expected to disrupt AXIN2 protein function. This variant has not been reported in the literature in individuals affected with AXIN2-related conditions. This variant is not present in population databases (gnomAD no frequency). This sequence change replaces glycine, which is neutral and non-polar, with cysteine, which is neutral and slightly polar, at codon 91 of the AXIN2 protein (p.Gly91Cys).

NM_004655.4(AXIN2):c.271G>T (p.Gly91Cys)

Gene: AXIN2 (axin 2; minus strand). Cytogenetic location: 17q24.1.
Variant type: single nucleotide variant.
Coding change: c.271G>T on transcript NM_004655.4 (MANE Select); coding-DNA position 271, G replaced by T.
Protein change: p.Gly91Cys; replaces glycine 91 with cysteine.
Molecular consequence: missense variant.
Genome position (GRCh38, 1-based): chr17:65,558,350, C>A on the plus strand (G>T on the coding strand, the complement: AXIN2 is on the minus strand). VCF-style: chr17-65558350-C-A. GRCh37 (hg19) VCF-style: chr17-63554468-C-A.
Other names: c.271G>T, p.Gly91Cys (NM_001363813.1); short protein forms G91C.
Identifiers: ClinVar variation 1993022 (VCV001993022.5), dbSNP rs1480283302, ClinGen allele CA400681766.